The following is an entry in ClinVar:

ClinVar aggregate classification (germline): Pathogenic (1 of 4 stars; one submission).

Conditions:
Hereditary breast ovarian cancer syndrome. Also called: Hereditary breast and ovarian cancer; Breast and ovarian cancer; BRCA1- and BRCA2-Associated Hereditary Breast and Ovarian Cancer; Hereditary breast and/or ovarian cancer syndrome; Hereditary breast and ovarian cancer syndrome; Hereditary breast and ovarian cancer syndrome (HBOC). Identifiers: Orphanet 145, MedGen C0677776, MeSH D061325, MONDO:0003582. Disease mechanism: loss of function.

Submission:

Labcorp Genetics (formerly Invitae), Labcorp
Classification: Pathogenic for Hereditary breast ovarian cancer syndrome. Last evaluated: 2021-04-28. Review status: criteria provided, single submitter. Criteria: Invitae Variant Classification Sherloc (09022015). Collection method: clinical testing. Allele origin: germline.
Comment: This sequence change creates a premature translational stop signal (p.Leu3125Serfs*37) in the BRCA2 gene. It is expected to result in an absent or disrupted protein product. Loss-of-function variants in BRCA2 are known to be pathogenic (PMID: 20104584). For these reasons, this variant has been classified as Pathogenic. This variant has not been reported in the literature in individuals with BRCA2-related conditions. This variant is not present in population databases (ExAC no frequency).

Literature cited by the submitters: PubMed 20104584.

NM_000059.4(BRCA2):c.9373_9376del (p.Leu3125fs)

Gene: BRCA2 (BRCA2 DNA repair associated; plus strand). Cytogenetic location: 13q13.1.
Variant type: Deletion.
Coding change: c.9373_9376del on transcript NM_000059.4 (MANE Select); coding-DNA positions 9373 to 9376, 4 bases deleted (CTCC; older notation c.9373_9376delCTCC).
Protein change: p.Leu3125fs; shifts the reading frame from leucine 3125.
Molecular consequence: frameshift variant.
Genome position (GRCh38, 1-based): chr13:32,394,805-32,394,808, CTCC deleted; deleting any 4 consecutive bases within chr13:32,394,804-32,394,808 gives the same sequence; the c. name uses the placement nearest the transcript's 3' end. VCF-style (leftmost placement, unchanged base first): chr13-32394803-ACCTC-A. GRCh37 (hg19) VCF-style: chr13-32968940-ACCTC-A.
Other names: short protein forms L3125fs.
Identifiers: ClinVar variation 1457821 (VCV001457821.6), dbSNP rs2137653303, ClinGen allele CA2573149511.